The following is an entry in ClinVar:

ClinVar aggregate classification (germline): Pathogenic/Likely pathogenic. Review status: criteria provided, multiple submitters, no conflicts (2 of 4 stars). 3 submissions from 3 submitters: Pathogenic (2); Likely pathogenic (1). Last evaluated 2024-09-13.

Conditions:
Angelman syndrome-like. Identifiers: MedGen CN128785.
Developmental and epileptic encephalopathy, 2 (DEE2). Also called: INFANTILE SPASM SYNDROME, X-LINKED 2; CDKL5 deficiency disorder. Identifiers: Orphanet 1934, Orphanet 3451, Orphanet 505652, MedGen C4750718, MONDO:0010396, OMIM 300672.
CDKL5 disorder. Identifiers: MedGen CN296942, MONDO:0100039.

Submissions (3):

Centre for Population Genomics, CPG
Classification: Likely pathogenic for CDKL5 disorder. Last evaluated: 2024-09-13. Review status: criteria provided, single submitter. Criteria: McKnight et al. (Hum Mutat. 2022). Collection method: curation. Allele origin: germline. Inheritance: X-linked inheritance.
Comment: This variant has been collected from RettBASE and curated to current modified ACMG/AMP criteria. Based on the classification scheme defined by the ClinGen Rett/Angelman-like Expert Panel for Rett/AS-like Disorders Specifications to the ACMG/AMP Variant Interpretation Guidelines VCEP 3.0, this variant is classified as likely pathogenic. At least the following criteria are met: Predicted to result in loss of function, and LOF is a known mechanism of disease (PVS1). This variant is absent from gnomAD (PM2_Supporting). Has been observed in at least 1 individual with phenotypes consistent with CDKL5 disorder (PMID: 22872100).

GeneDx
Classification: Pathogenic. Last evaluated: 2023-07-28. Review status: criteria provided, single submitter. Criteria: GeneDx Variant Classification Process June 2021. Collection method: clinical testing. Allele origin: germline. Affected: yes.
Comment: Identified in one patient from the International Rett Syndrome Phenotype Database (InterRett) (Fehr et al., 2013); Nonsense variant predicted to result in protein truncation or nonsense mediated decay in a gene for which loss of function is a known mechanism of disease; Not observed at significant frequency in large population cohorts (gnomAD); This variant is associated with the following publications: (PMID: 22872100)

Labcorp Genetics (formerly Invitae), Labcorp
Classification: Pathogenic for Developmental and epileptic encephalopathy, 2; Angelman syndrome-like. Last evaluated: 2022-08-31. Review status: criteria provided, single submitter. Criteria: Invitae Variant Classification Sherloc (09022015). Collection method: clinical testing. Allele origin: germline.
Comment: For these reasons, this variant has been classified as Pathogenic. ClinVar contains an entry for this variant (Variation ID: 1459505). This premature translational stop signal has been observed in individual(s) with CDKL5-related conditions (PMID: 22872100). This variant is not present in population databases (gnomAD no frequency). This sequence change creates a premature translational stop signal (p.Tyr482*) in the CDKL5 gene. It is expected to result in an absent or disrupted protein product. Loss-of-function variants in CDKL5 are known to be pathogenic (PMID: 22872100).

Literature cited by the submitters: PubMed 22872100 (cited by Labcorp Genetics (formerly Invitae), Labcorp).

NM_001323289.2(CDKL5):c.1446del (p.Ser481_Tyr482insTer)

Gene: CDKL5 (cyclin dependent kinase like 5; plus strand). Cytogenetic location: Xp22.13.
Variant type: Deletion.
Coding change: c.1446del on transcript NM_001323289.2 (MANE Select); coding-DNA position 1446, one base deleted (C; older notation c.1446delC).
Protein change: p.Ser481_Tyr482insTer.
Molecular consequence: nonsense.
Genome position (GRCh38, 1-based): chrX:18,604,370, C deleted. VCF-style (leftmost placement, unchanged base first): chrX-18604369-AC-A. GRCh37 (hg19) VCF-style: chrX-18622489-AC-A.
Other names: NM_001323289.2(CDKL5):c.1446del; p.Ser481_Tyr482insTer; c.1446del (NM_003159.2); c.1446del, p.Ser481_Tyr482insTer (NM_001037343.2, NM_003159.3).
Identifiers: ClinVar variation 1459505 (VCV001459505.10), dbSNP rs2147160749, ClinGen allele CA2573158457.